The following is an entry in ClinVar:

ClinVar aggregate classification (germline): Likely benign. Review status: criteria provided, multiple submitters, no conflicts (2 of 4 stars). 3 submissions from 3 submitters: Likely benign (3). Last evaluated 2025-08-20.

Conditions:
Early-infantile DEE. Also called: Ohtahara syndrome; Early infantile epileptic encephalopathy; Early infantile epileptic encephalopathy with suppression bursts. Identifiers: Orphanet 1934, MedGen C0393706, MONDO:0800491.

Allele frequency attached by ClinVar (database versions not stated): ExAC 0.00002; gnomAD exomes 0.00003 and 0.00004; TOPMed 0.00003; gnomAD 0.00005; ESP Exome Variant Server 0.00008.

Submissions (3):

Labcorp Genetics (formerly Invitae), Labcorp
Classification: Likely benign for Early-infantile DEE. Last evaluated: 2025-08-20. Review status: criteria provided, single submitter. Criteria: Invitae Variant Classification Sherloc (09022015). Collection method: clinical testing. Allele origin: germline.

Blueprint Genetics
Classification: Likely benign. Last evaluated: 2024-06-24. Review status: criteria provided, single submitter. Criteria: ACMG Guidelines, 2015. Collection method: clinical testing. Allele origin: germline.

GeneDx
Classification: Likely benign. Last evaluated: 2016-02-19. Review status: criteria provided, single submitter. Criteria: GeneDx Variant Classification (06012015). Collection method: clinical testing. Allele origin: germline. Affected: yes.
Comment: This variant is considered likely benign or benign based on one or more of the following criteria: it is a conservative change, it occurs at a poorly conserved position in the protein, it is predicted to be benign by multiple in silico algorithms, and/or has population frequency not consistent with disease.

NM_001191061.2(SLC25A22):c.146+7G>A

Gene: SLC25A22 (solute carrier family 25 member 22; minus strand). Cytogenetic location: 11p15.5.
Variant type: single nucleotide variant.
Coding change: c.146+7G>A on transcript NM_001191061.2 (MANE Select); 7 bases into the intron after coding-DNA position 146, G replaced by A.
Molecular consequence: intron variant.
Genome position (GRCh38, 1-based): chr11:794,769, C>T on the plus strand (G>A on the coding strand, the complement: SLC25A22 is on the minus strand). VCF-style: chr11-794769-C-T. GRCh37 (hg19) VCF-style: chr11-794769-C-T.
Other names: c.146+7G>A (NM_001191060.2, NM_024698.6).
Identifiers: ClinVar variation 383587 (VCV000383587.13), dbSNP rs376889561, ClinGen allele CA5789391.